The following is an entry in ClinVar:

NM_152419.3(HGSNAT):c.30del (p.Leu11fs)

Genes: HGSNAT (heparan-alpha-glucosaminide N-acetyltransferase; plus strand), LOC130000316 (ATAC-STARR-seq lymphoblastoid silent region 19164; plus strand). Cytogenetic location: 8p11.21.
Variant type: Deletion.
Coding change: c.30del on transcript NM_152419.3 (MANE Select); coding-DNA position 30, one base deleted (G; older notation c.30delG).
Protein change: p.Leu11fs; shifts the reading frame from leucine 11.
Molecular consequence: frameshift variant. On other transcripts: 5 prime UTR variant (1).
Genome position (GRCh38, 1-based): chr8:43,140,526, G deleted. VCF-style (leftmost placement, unchanged base first): chr8-43140525-CG-C. GRCh37 (hg19) VCF-style: chr8-42995668-CG-C.
Other names: c.30del, p.Leu11fs (NM_001363227.2, NM_001363228.2); c.-804del (NM_001363229.2); short protein forms L11fs.
Identifiers: ClinVar variation 4816870 (VCV004816870.1).
Genomic context (GRCh38, chr8:43,140,525, plus strand): 5'-GGCAGGCAAGGGCGGCCGAGCGGGCGGCGGGCATGAGCGGGGCGGGCAGGGCGCTGGCCG[CG>C]CTGCTGCTGGCCGCGTCCGTGCTGAGCGCCGCGCTGCTGGCCCCCGGCGGCTCTTCGGGG-3'

ClinVar aggregate classification (germline): Likely pathogenic (1 of 4 stars; one submission).

Conditions:
Mucopolysaccharidosis, MPS-III-C (MPS3C). Also called: MPS IIIC (Sanfilippo Syndrome Type C); SANFILIPPO SYNDROME C; MPS III C; Mucopolysaccharidosis type IIIC (Sanfilippo C); MUCOPOLYSACCHARIDOSIS, TYPE IIIC; mucopolysaccharidosis type 3C. Identifiers: Orphanet 581, Orphanet 79271, MedGen C0086649, MONDO:0009657, OMIM 252930.

Submission:

Natera, Inc.
Classification: Likely pathogenic for Mucopolysaccharidosis type IIIC. Last evaluated: 2025-09-22. Review status: criteria provided, single submitter. Criteria: Natera Variant Classification Schema (03/2026). Collection method: clinical testing. Allele origin: germline.
Comment: The c.30del variant in HGSNAT is a frameshift variant predicted to shift the reading frame beginning at codon 11 and leads to a stop codon 8 codons downstream. This variant is expected to result in nonsense mediated decay, truncation, or a dysfunctional protein product. This variant is rare in the general population with a frequency below the threshold expected for the associated phenotype(s). Given the available evidence, this variant is classified as Likely Pathogenic.